The following is an entry in ClinVar:

NM_000051.4(ATM):c.8880G>T (p.Trp2960Cys)

Genes: ATM (ATM serine/threonine kinase; plus strand), C11orf65 (chromosome 11 open reading frame 65; minus strand). Cytogenetic location: 11q22.3.
Variant type: single nucleotide variant.
Coding change: c.8880G>T on transcript NM_000051.4 (MANE Select); coding-DNA position 8880, G replaced by T.
Protein change: p.Trp2960Cys; replaces tryptophan 2960 with cysteine.
Molecular consequence: missense variant. On other transcripts: intron variant (2).
Genome position (GRCh38, 1-based): chr11:108,365,111, G>T. VCF-style: chr11-108365111-G-T. GRCh37 (hg19) VCF-style: chr11-108235838-G-T.
Other names: c.8880G>T, p.Trp2960Cys (NM_001351834.2); c.640+20809C>A (NM_001330368.2); c.694+20809C>A (NM_001351110.2); short protein forms W2960C.
Identifiers: ClinVar variation 1445856 (VCV001445856.8), dbSNP rs1060501650, ClinGen allele CA382529666.
Genomic context (GRCh38, chr11:108,365,111, plus strand): 5'-TTCTTTTAATACATATGTTCTCTCTGTTTAGGTCCTTCTATATGATCCACTCTTTGACTG[G>T]ACCATGAATCCTTTGAAAGCTTTGTATTTACAGCAGAGGCCGGAAGATGAAACTGAGCTT-3'
Protein context (NP_000042.3, residues 2950-2970): EVLLYDPLFD[Trp2960Cys]TMNPLKALYL

ClinVar aggregate classification (germline): Uncertain significance. Review status: criteria provided, multiple submitters, no conflicts (2 of 4 stars). 2 submissions from 2 submitters: Uncertain significance (2). Last evaluated 2025-04-04.

Conditions:
Ataxia-telangiectasia syndrome (AT). Also called: Ataxia-telangiectasia; LOUIS-BAR SYNDROME; Ataxia-telangiectasia, complementation group D; AT, COMPLEMENTATION GROUP C; ATAXIA-TELANGIECTASIA, COMPLEMENTATION GROUP A; ATAXIA-TELANGIECTASIA, FRESNO VARIANT. Identifiers: Orphanet 100, MedGen C0004135, MONDO:0008840, OMIM 208900.
Hereditary cancer-predisposing syndrome. Also called: Tumor predisposition; Neoplastic Syndromes, Hereditary; Hereditary Cancer Syndrome; Hereditary neoplastic syndrome. Identifiers: Orphanet 140162, MedGen C0027672, MeSH D009386, MONDO:0015356.

Allele frequency attached by ClinVar (database versions not stated): gnomAD exomes below 0.00001.
gnomAD v4.1: 1 of 1,614,044 alleles (0.000062%); highest among the groups gnomAD compares: Non-Finnish European, 0.000085%; no homozygotes.

Submissions (2):

Labcorp Genetics (formerly Invitae), Labcorp
Classification: Uncertain significance for Ataxia-telangiectasia syndrome. Last evaluated: 2025-04-04. Review status: criteria provided, single submitter. Criteria: Invitae Variant Classification Sherloc (09022015). Collection method: clinical testing. Allele origin: germline.
Comment: This sequence change replaces tryptophan, which is neutral and slightly polar, with cysteine, which is neutral and slightly polar, at codon 2960 of the ATM protein (p.Trp2960Cys). This variant is not present in population databases (gnomAD no frequency). This variant has not been reported in the literature in individuals affected with ATM-related conditions. ClinVar contains an entry for this variant (Variation ID: 1445856). Invitae Evidence Modeling of protein sequence and biophysical properties (such as structural, functional, and spatial information, amino acid conservation, physicochemical variation, residue mobility, and thermodynamic stability) indicates that this missense variant is expected to disrupt ATM protein function with a positive predictive value of 95%. In summary, the available evidence is currently insufficient to determine the role of this variant in disease. Therefore, it has been classified as a Variant of Uncertain Significance.

Ambry Genetics
Classification: Uncertain significance for Hereditary cancer-predisposing syndrome. Last evaluated: 2024-08-19. Review status: criteria provided, single submitter. Criteria: Ambry Variant Classification Scheme 2023. Collection method: clinical testing. Allele origin: germline.
Comment: The p.W2960C variant (also known as c.8880G>T), located in coding exon 61 of the ATM gene, results from a G to T substitution at nucleotide position 8880. The tryptophan at codon 2960 is replaced by cysteine, an amino acid with highly dissimilar properties. This amino acid position is highly conserved in available vertebrate species. In addition, this alteration is predicted to be deleterious by in silico analysis. Based on the available evidence, the clinical significance of this variant remains unclear.